The following is an entry in ClinVar:

NM_000321.3(RB1):c.380G>T (p.Ser127Ile)

Gene: RB1 (RB transcriptional corepressor 1; plus strand). Cytogenetic location: 13q14.2.
Variant type: single nucleotide variant.
Coding change: c.380G>T on transcript NM_000321.3 (MANE Select); coding-DNA position 380, G replaced by T.
Protein change: p.Ser127Ile; replaces serine 127 with isoleucine.
Molecular consequence: missense variant.
Genome position (GRCh38, 1-based): chr13:48,342,714, G>T. VCF-style: chr13-48342714-G-T. GRCh37 (hg19) VCF-style: chr13-48916850-G-T.
Other names: short protein forms S127I.
Identifiers: ClinVar variation 958692 (VCV000958692.9), dbSNP rs1131690843, ClinGen allele CA388252574.

ClinVar aggregate classification (germline): Likely pathogenic (1 of 4 stars; one submission).

Conditions:
Retinoblastoma (RB1). Also called: RETINOBLASTOMA, SOMATIC. Identifiers: Orphanet 790, MedGen C0035335, MeSH D012175, MONDO:0008380, OMIM 180200, HP:0009919. Disease mechanism: loss of function. Inheritance: Both sporadic and heritable forms are tested..

Submission:

Labcorp Genetics (formerly Invitae), Labcorp
Classification: Likely pathogenic for Retinoblastoma. Last evaluated: 2021-01-08. Review status: criteria provided, single submitter. Criteria: Invitae Variant Classification Sherloc (09022015). Collection method: clinical testing. Allele origin: germline.
Comment: In summary, the currently available evidence indicates that the variant is pathogenic, but additional data are needed to prove that conclusively. Therefore, this variant has been classified as Likely Pathogenic. This variant disrupts the c.380G nucleotide in the RB1 gene. Other variant(s) that disrupt this nucleotide have been determined to be pathogenic (PMID: 8776589, 21520333). This suggests that this nucleotide is clinically significant, and that variants that disrupt this position are likely to be disease-causing. Nucleotide substitutions within the consensus splice site are a relatively common cause of aberrant splicing (PMID: 17576681, 9536098). Algorithms developed to predict the effect of sequence changes on RNA splicing suggest that this variant may disrupt the consensus splice site, but this prediction has not been confirmed by published transcriptional studies. Algorithms developed to predict the effect of missense changes on protein structure and function (SIFT, PolyPhen-2, Align-GVGD) all suggest that this variant is likely to be disruptive, but these predictions have not been confirmed by published functional studies and their clinical significance is uncertain. This variant has been observed in individual(s) with retinoblastoma (Invitae). This variant is not present in population databases (ExAC no frequency). This sequence change replaces serine with isoleucine at codon 127 of the RB1 protein (p.Ser127Ile). The serine residue is highly conserved and there is a large physicochemical difference between serine and isoleucine. This variant also falls at the last nucleotide of exon 3, which is part of the consensus splice site for this exon.

Literature cited by the submitters: PubMed 8776589; PubMed 21520333; PubMed 17576681; PubMed 9536098.